The following is an entry in ClinVar:

ClinVar aggregate classification (germline): Uncertain significance (1 of 4 stars; one submission).

Conditions:
Wilms tumor 1 (WT1). Also called: Wilms tumor, somatic. Identifiers: Orphanet 654, MedGen CN033288, MONDO:0008679, OMIM 194070.

Submission:

Labcorp Genetics (formerly Invitae), Labcorp
Classification: Uncertain significance for Wilms tumor 1. Last evaluated: 2023-04-07. Review status: criteria provided, single submitter. Criteria: Invitae Variant Classification Sherloc (09022015). Collection method: clinical testing. Allele origin: germline.
Comment: In summary, the available evidence is currently insufficient to determine the role of this variant in disease. Therefore, it has been classified as a Variant of Uncertain Significance. An algorithm developed to predict the effect of missense changes on protein structure and function (PolyPhen-2) suggests that this variant is likely to be disruptive. This variant has not been reported in the literature in individuals affected with GPC3-related conditions. This variant is not present in population databases (gnomAD no frequency). This sequence change replaces histidine, which is basic and polar, with proline, which is neutral and non-polar, at codon 580 of the GPC3 protein (p.His580Pro).

NM_004484.4(GPC3):c.1739A>C (p.His580Pro)

Gene: GPC3 (glypican 3; minus strand). Cytogenetic location: Xq26.2.
Variant type: single nucleotide variant.
Coding change: c.1739A>C on transcript NM_004484.4 (MANE Select); coding-DNA position 1739, A replaced by C.
Protein change: p.His580Pro; replaces histidine 580 with proline.
Molecular consequence: missense variant.
Genome position (GRCh38, 1-based): chrX:133,536,128, T>G on the plus strand (A>C on the coding strand, the complement: GPC3 is on the minus strand). VCF-style: chrX-133536128-T-G. GRCh37 (hg19) VCF-style: chrX-132670156-T-G.
Other names: c.1808A>C, p.His603Pro (NM_001164617.2); c.1691A>C, p.His564Pro (NM_001164618.2); c.1577A>C, p.His526Pro (NM_001164619.2); short protein forms H526P, H564P, H580P, H603P.
Identifiers: ClinVar variation 2830379 (VCV002830379.3), dbSNP rs1449654880, ClinGen allele CA414702331.